The following is an entry in ClinVar:

NM_001845.6(COL4A1):c.2461C>T (p.Pro821Ser)

Gene: COL4A1 (collagen type IV alpha 1 chain; minus strand). Cytogenetic location: 13q34.
Variant type: single nucleotide variant.
Coding change: c.2461C>T on transcript NM_001845.6 (MANE Select); coding-DNA position 2461, C replaced by T.
Protein change: p.Pro821Ser; replaces proline 821 with serine.
Molecular consequence: missense variant.
Genome position (GRCh38, 1-based): chr13:110,178,229, G>A on the plus strand (C>T on the coding strand, the complement: COL4A1 is on the minus strand). VCF-style: chr13-110178229-G-A. GRCh37 (hg19) VCF-style: chr13-110830576-G-A.
Other names: short protein forms P821S.
Identifiers: ClinVar variation 1965426 (VCV001965426.5), dbSNP rs746903318, ClinGen allele CA7047577.

ClinVar aggregate classification (germline): Uncertain significance (1 of 4 stars; one submission).

Allele frequency attached by ClinVar (database versions not stated): gnomAD exomes below 0.00001; ExAC 0.00001.
gnomAD v4.1: 2 of 1,613,782 alleles (0.00012%); highest among the groups gnomAD compares: Non-Finnish European, 0.00017%; no homozygotes.

Submission:

Labcorp Genetics (formerly Invitae), Labcorp
Classification: Uncertain significance. Last evaluated: 2022-04-12. Review status: criteria provided, single submitter. Criteria: Invitae Variant Classification Sherloc (09022015). Collection method: clinical testing. Allele origin: germline.
Comment: In summary, the available evidence is currently insufficient to determine the role of this variant in disease. Therefore, it has been classified as a Variant of Uncertain Significance. Algorithms developed to predict the effect of missense changes on protein structure and function (SIFT, PolyPhen-2, Align-GVGD) all suggest that this variant is likely to be tolerated. This variant has not been reported in the literature in individuals affected with COL4A1-related conditions. This variant is present in population databases (rs746903318, gnomAD 0.0009%). This sequence change replaces proline, which is neutral and non-polar, with serine, which is neutral and polar, at codon 821 of the COL4A1 protein (p.Pro821Ser).